The following is an entry in ClinVar:

ClinVar aggregate classification (germline): Pathogenic (1 of 4 stars; one submission).

Conditions:
5-Oxoprolinase deficiency (OPLAHD). Also called: 5-OXOPROLINURIA DUE TO 5-OXOPROLINASE DEFICIENCY. Identifiers: Orphanet 33572, MedGen C0268525, MONDO:0009825, OMIM 260005, HP:0040142.

Submission:

Labcorp Genetics (formerly Invitae), Labcorp
Classification: Pathogenic for 5-Oxoprolinase deficiency. Last evaluated: 2021-12-07. Review status: criteria provided, single submitter. Criteria: Invitae Variant Classification Sherloc (09022015). Collection method: clinical testing. Allele origin: germline.
Comment: For these reasons, this variant has been classified as Pathogenic. This variant has not been reported in the literature in individuals affected with OPLAH-related conditions. This variant is present in population databases (no rsID available, gnomAD 0.007%). This sequence change creates a premature translational stop signal (p.Thr85Glyfs*51) in the OPLAH gene. It is expected to result in an absent or disrupted protein product. Loss-of-function variants in OPLAH are known to be pathogenic (PMID: 21651516, 27477828).

Literature cited by the submitters: PubMed 21651516; PubMed 27477828.

NM_017570.5(OPLAH):c.206_251dup (p.Thr85fs)

Gene: OPLAH (5-oxoprolinase, ATP-hydrolysing; minus strand). Cytogenetic location: 8q24.3.
Variant type: Duplication.
Coding change: c.206_251dup on transcript NM_017570.5 (MANE Select); coding-DNA positions 206 to 251, 46 bases duplicated.
Protein change: p.Thr85fs; shifts the reading frame from threonine 85.
Molecular consequence: frameshift variant.
Genome position (GRCh38, 1-based): chr8:144,059,711-144,059,756, 46 bases duplicated; duplicating any 46 consecutive bases within chr8:144,059,711-144,059,758 gives the same sequence; the c. name uses the placement nearest the transcript's 3' end. GRCh37 (hg19): chr8:145,114,616-145,114,661.
Other names: short protein forms T85fs.
Identifiers: ClinVar variation 2037024 (VCV002037024.4), dbSNP rs1554760412, ClinGen allele CA586160047.
Genomic context (GRCh38, chr8:144,059,710, plus strand): 5'-GAAGCCACGTGTCACCAGCAGCGCCACCCGCTCCCCCTTCCGCTCCAGCAGTGCGTTGGT[G>GGCCACTGTGGTGCCCATGCGGATGCTGGCGATATGACTGGAGTCCA]GCCACTGTGGTGCCCATGCGGATGCTGGCGATATGACTGGAGTCCAGCGGCTGGTCCCGG-3'